The following is an entry in ClinVar:

NM_021020.5(LZTS1):c.845G>A (p.Arg282His)

Gene: LZTS1 (leucine zipper tumor suppressor 1; minus strand). Cytogenetic location: 8p21.3.
Variant type: single nucleotide variant.
Coding change: c.845G>A on transcript NM_021020.5 (MANE Select); coding-DNA position 845, G replaced by A.
Protein change: p.Arg282His; replaces arginine 282 with histidine.
Molecular consequence: missense variant.
Genome position (GRCh38, 1-based): chr8:20,253,086, C>T on the plus strand (G>A on the coding strand, the complement: LZTS1 is on the minus strand). VCF-style: chr8-20253086-C-T. GRCh37 (hg19) VCF-style: chr8-20110597-C-T.
Other names: c.845G>A, p.Arg282His (NM_001362884.2); short protein forms R282H.
Identifiers: ClinVar variation 1895871 (VCV001895871.5), dbSNP rs780677649, ClinGen allele CA4657429.

ClinVar aggregate classification (germline): Uncertain significance (1 of 4 stars; one submission).

Allele frequency attached by ClinVar (database versions not stated): ExAC 0.00001; gnomAD 0.00001; gnomAD exomes 0.00001; TOPMed 0.00001.
gnomAD v4.1: 11 of 1,609,688 alleles (0.00068%); highest among the groups gnomAD compares: Admixed American, 0.0067%; no homozygotes.

Submission:

Labcorp Genetics (formerly Invitae), Labcorp
Classification: Uncertain significance. Last evaluated: 2025-09-21. Review status: criteria provided, single submitter. Criteria: Invitae Variant Classification Sherloc (09022015). Collection method: clinical testing. Allele origin: germline.
Comment: This sequence change replaces arginine, which is basic and polar, with histidine, which is basic and polar, at codon 282 of the LZTS1 protein (p.Arg282His). This variant is present in population databases (rs780677649, gnomAD 0.006%). This variant has not been reported in the literature in individuals affected with LZTS1-related conditions. ClinVar contains an entry for this variant (Variation ID: 1895871). Invitae Evidence Modeling of protein sequence and biophysical properties (such as structural, functional, and spatial information, amino acid conservation, physicochemical variation, residue mobility, and thermodynamic stability) indicates that this missense variant is not expected to disrupt LZTS1 protein function with a negative predictive value of 80%. In summary, the available evidence is currently insufficient to determine the role of this variant in disease. Therefore, it has been classified as a Variant of Uncertain Significance.